The following is an entry in ClinVar:

ClinVar aggregate classification (germline): Pathogenic (0 of 4 stars; one submission).

Conditions:
Usher syndrome type 2. Also called: Usher Syndrome Type II. Identifiers: Orphanet 231178, MedGen C0339534, MONDO:0016484.

Submission:

Ophthalmo-Genetics Lab, Instituto de Oftalmologia Conde de Valenciana
Classification: Pathogenic for Usher syndrome type 2. Last evaluated: 2022-11-14. Review status: no assertion criteria provided. Collection method: clinical testing. Allele origin: germline. Inheritance: Autosomal recessive inheritance. Affected: yes. Observed: 1 compound heterozygote.
Comment: Novel pathogenic variant. PP4 (manual), PVS1, PM2.

Literature cited by the submitters: PubMed 35076463.

NM_206933.4(USH2A):c.6638_6641del (p.Lys2213fs)

Gene: USH2A (usherin; minus strand). Cytogenetic location: 1q41.
Variant type: Microsatellite.
Coding change: c.6638_6641del on transcript NM_206933.4 (MANE Select); coding-DNA positions 6638 to 6641, 4 bases deleted (AATA; older notation c.6638_6641delAATA).
Protein change: p.Lys2213fs; shifts the reading frame from lysine 2213.
Molecular consequence: frameshift variant.
Genome position (GRCh38, 1-based): chr1:215,998,903-215,998,906, TATT deleted on the plus strand (AATA on the coding strand, the reverse complement: USH2A is on the minus strand); deleting any 4 consecutive bases within chr1:215,998,903-215,998,910 gives the same sequence; the c. name uses the placement nearest the transcript's 3' end. VCF-style (leftmost placement, unchanged base first): chr1-215998902-ATATT-A. GRCh37 (hg19) VCF-style: chr1-216172244-ATATT-A.
Other names: short protein forms K2213fs.
Identifiers: ClinVar variation 1723459 (VCV001723459.1), dbSNP rs2527618865, ClinGen allele CA2580611225.
Genomic context (GRCh38, chr1:215,998,902, plus strand): 5'-AAGTGGAAGGAATGGGGACAGAGAAAGTGATGGAAATAAACTTACTCCCAGCTTGATGAG[ATATT>A]TATTACCAGGTAAAACGTATTGTAGCATATGATCCTGGAAAAGTTCTGTACTGTTATAGA-3'